The following is an entry in ClinVar:

ClinVar aggregate classification (germline): Uncertain significance (1 of 4 stars; one submission).

Conditions:
Autosomal recessive polycystic kidney disease (ARPKD). Also called: AR polycystic kidney disease. Identifiers: Orphanet 731, Orphanet 8378, MedGen C0085548, MeSH D017044, MONDO:0009889.

Allele frequency attached by ClinVar (database versions not stated): ExAC 0.00001; gnomAD 0.00001; gnomAD exomes 0.00001; TOPMed 0.00001.
gnomAD v4.1: 17 of 1,613,624 alleles (0.0011%); highest among the groups gnomAD compares: Non-Finnish European, 0.0014%; no homozygotes.

Submission:

Labcorp Genetics (formerly Invitae), Labcorp
Classification: Uncertain significance for Autosomal recessive polycystic kidney disease. Last evaluated: 2021-09-17. Review status: criteria provided, single submitter. Criteria: Invitae Variant Classification Sherloc (09022015). Collection method: clinical testing. Allele origin: germline.
Comment: This sequence change replaces leucine with proline at codon 2616 of the PKHD1 protein (p.Leu2616Pro). The leucine residue is highly conserved and there is a moderate physicochemical difference between leucine and proline. This variant is present in population databases (rs772556933, ExAC 0.001%). This variant has not been reported in the literature in individuals affected with PKHD1-related conditions. Algorithms developed to predict the effect of missense changes on protein structure and function are either unavailable or do not agree on the potential impact of this missense change (SIFT: "Deleterious"; PolyPhen-2: "Probably Damaging"; Align-GVGD: "Class C0"). In summary, the available evidence is currently insufficient to determine the role of this variant in disease. Therefore, it has been classified as a Variant of Uncertain Significance.

NM_138694.4(PKHD1):c.7847T>C (p.Leu2616Pro)

Gene: PKHD1 (PKHD1 ciliary IPT domain containing fibrocystin/polyductin; minus strand). Cytogenetic location: 6p12.2.
Variant type: single nucleotide variant.
Coding change: c.7847T>C on transcript NM_138694.4 (MANE Select); coding-DNA position 7847, T replaced by C.
Protein change: p.Leu2616Pro; replaces leucine 2616 with proline.
Molecular consequence: missense variant.
Genome position (GRCh38, 1-based): chr6:51,855,957, A>G on the plus strand (T>C on the coding strand, the complement: PKHD1 is on the minus strand). VCF-style: chr6-51855957-A-G. GRCh37 (hg19) VCF-style: chr6-51720755-A-G.
Other names: c.7847T>C, p.Leu2616Pro (NM_170724.3); short protein forms L2616P.
Identifiers: ClinVar variation 1423099 (VCV001423099.5), dbSNP rs772556933, ClinGen allele CA3851818.
Genomic context (GRCh38, chr6:51,855,957, plus strand): 5'-AGAGATCTGTTGATCCAAAGGTTCTCAGATTGCAATGAGTAGGTCTCTTGGTCCAAGAGC[A>G]GAGCCATCCAGCCACGAGGGTTAGACAATGTATCACGTACATAATTGACAGTGGTTGTTT-3'
Protein context (NP_619639.3, residues 2606-2626): TLSNPRGWMA[Leu2616Pro]LLDQETYSLQ